The following is an entry in ClinVar:

ClinVar aggregate classification (germline): Uncertain significance. Review status: criteria provided, multiple submitters, no conflicts (2 of 4 stars). 3 submissions from 3 submitters: Uncertain significance (3). Last evaluated 2025-05-06.

Conditions:
Inborn genetic diseases. Identifiers: MedGen C0950123, MeSH D030342.

Allele frequency attached by ClinVar (database versions not stated): gnomAD exomes 0.00001 and below 0.00001; TOPMed 0.00005; gnomAD 0.00003 and 0.00002.
gnomAD v4.1: 7 of 1,613,440 alleles (0.00043%); highest among the groups gnomAD compares: African/African-American, 0.0067%; no homozygotes.

Submissions (3):

Ambry Genetics
Classification: Uncertain significance for Inborn genetic diseases. Last evaluated: 2025-05-06. Review status: criteria provided, single submitter. Criteria: Ambry Variant Classification Scheme 2023. Collection method: clinical testing. Allele origin: germline.

GeneDx
Classification: Uncertain significance. Last evaluated: 2023-06-09. Review status: criteria provided, single submitter. Criteria: GeneDx Variant Classification Process June 2021. Collection method: clinical testing. Allele origin: germline. Affected: yes.
Comment: Not observed at significant frequency in large population cohorts (gnomAD); In silico analysis supports that this missense variant has a deleterious effect on protein structure/function; Has not been previously published as pathogenic or benign to our knowledge

Labcorp Genetics (formerly Invitae), Labcorp
Classification: Uncertain significance. Last evaluated: 2022-09-07. Review status: criteria provided, single submitter. Criteria: Invitae Variant Classification Sherloc (09022015). Collection method: clinical testing. Allele origin: germline.
Comment: This sequence change replaces alanine, which is neutral and non-polar, with valine, which is neutral and non-polar, at codon 1020 of the FAT4 protein (p.Ala1020Val). This variant is present in population databases (no rsID available, gnomAD 0.01%). This variant has not been reported in the literature in individuals affected with FAT4-related conditions. ClinVar contains an entry for this variant (Variation ID: 1446536). Algorithms developed to predict the effect of missense changes on protein structure and function (SIFT, PolyPhen-2, Align-GVGD) all suggest that this variant is likely to be disruptive. In summary, the available evidence is currently insufficient to determine the role of this variant in disease. Therefore, it has been classified as a Variant of Uncertain Significance.

NM_001291303.3(FAT4):c.3059C>T (p.Ala1020Val)

Gene: FAT4 (FAT atypical cadherin 4; plus strand). Cytogenetic location: 4q28.1.
Variant type: single nucleotide variant.
Coding change: c.3059C>T on transcript NM_001291303.3 (MANE Select); coding-DNA position 3059, C replaced by T.
Protein change: p.Ala1020Val; replaces alanine 1020 with valine.
Molecular consequence: missense variant.
Genome position (GRCh38, 1-based): chr4:125,319,470, C>T. VCF-style: chr4-125319470-C-T. GRCh37 (hg19) VCF-style: chr4-126240625-C-T.
Other names: c.3059C>T, p.Ala1020Val (NM_001291285.3, NM_024582.6); c.3059C>T (NM_024582.4); short protein forms A1020V.
Identifiers: ClinVar variation 1446536 (VCV001446536.7), dbSNP rs967633574, ClinGen allele CA104865849.